The following is an entry in ClinVar:

NM_024747.6(HPS6):c.640dup (p.His214fs)

Gene: HPS6 (HPS6 biogenesis of lysosomal organelles complex 2 subunit 3; plus strand). Cytogenetic location: 10q24.32.
Variant type: Duplication.
Coding change: c.640dup on transcript NM_024747.6 (MANE Select); coding-DNA position 640, one base duplicated (C; older notation c.640dupC).
Protein change: p.His214fs; shifts the reading frame from histidine 214.
Molecular consequence: frameshift variant.
Genome position (GRCh38, 1-based): chr10:102,066,114, C duplicated; the last of 3 consecutive C bases (chr10:102,066,112-102,066,114); duplicating any one gives the same sequence. VCF-style (leftmost placement, unchanged base first): chr10-102066111-G-GC. GRCh37 (hg19) VCF-style: chr10-103825868-G-GC.
Other names: short protein forms H214fs.
Identifiers: ClinVar variation 2866606 (VCV002866606.3), dbSNP rs2067967771, ClinGen allele CA1932502345.

ClinVar aggregate classification (germline): Pathogenic (1 of 4 stars; one submission).

Submission:

Labcorp Genetics (formerly Invitae), Labcorp
Classification: Pathogenic. Last evaluated: 2023-05-21. Review status: criteria provided, single submitter. Criteria: Invitae Variant Classification Sherloc (09022015). Collection method: clinical testing. Allele origin: germline.
Comment: For these reasons, this variant has been classified as Pathogenic. This variant disrupts a region of the HPS6 protein in which other variant(s) (p.Gln680*) have been determined to be pathogenic (PMID: 27225848, 29054114, 31141302). This suggests that this is a clinically significant region of the protein, and that variants that disrupt it are likely to be disease-causing. This variant has not been reported in the literature in individuals affected with HPS6-related conditions. This variant is not present in population databases (gnomAD no frequency). This sequence change creates a premature translational stop signal (p.His214Profs*26) in the HPS6 gene. While this is not anticipated to result in nonsense mediated decay, it is expected to disrupt the last 562 amino acid(s) of the HPS6 protein.

Literature cited by the submitters: PubMed 27225848; PubMed 29054114; PubMed 31141302.